The following is an entry in ClinVar:

ClinVar aggregate classification (germline): Uncertain significance (1 of 4 stars; one submission).

Conditions:
Maple syrup urine disease (MSUD). Identifiers: Orphanet 511, MedGen C0024776, MeSH D008375, MONDO:0009563. Disease mechanism: loss of function.

Submission:

Labcorp Genetics (formerly Invitae), Labcorp
Classification: Uncertain significance for Maple syrup urine disease. Last evaluated: 2025-01-02. Review status: criteria provided, single submitter. Criteria: Invitae Variant Classification Sherloc (09022015). Collection method: clinical testing. Allele origin: germline.
Comment: This sequence change replaces aspartic acid, which is acidic and polar, with histidine, which is basic and polar, at codon 451 of the DBT protein (p.Asp451His). This variant is not present in population databases (gnomAD no frequency). This variant has not been reported in the literature in individuals affected with DBT-related conditions. Invitae Evidence Modeling of protein sequence and biophysical properties (such as structural, functional, and spatial information, amino acid conservation, physicochemical variation, residue mobility, and thermodynamic stability) indicates that this missense variant is expected to disrupt DBT protein function with a positive predictive value of 95%. In summary, the available evidence is currently insufficient to determine the role of this variant in disease. Therefore, it has been classified as a Variant of Uncertain Significance.

NM_001918.5(DBT):c.1351G>C (p.Asp451His)

Gene: DBT (dihydrolipoamide branched chain transacylase E2; minus strand). Cytogenetic location: 1p21.2.
Variant type: single nucleotide variant.
Coding change: c.1351G>C on transcript NM_001918.5 (MANE Select); coding-DNA position 1351, G replaced by C.
Protein change: p.Asp451His; replaces aspartic acid 451 with histidine.
Molecular consequence: missense variant. On other transcripts: non-coding transcript variant (4).
Genome position (GRCh38, 1-based): chr1:100,196,353, C>G on the plus strand (G>C on the coding strand, the complement: DBT is on the minus strand). VCF-style: chr1-100196353-C-G. GRCh37 (hg19) VCF-style: chr1-100661909-C-G.
Other names: c.808G>C, p.Asp270His (NM_001399969.1, NM_001399972.1); short protein forms D270H, D451H.
Identifiers: ClinVar variation 3633572 (VCV003633572.2).